The following is an entry in ClinVar:

NM_000152.5(GAA):c.488A>T (p.Asp163Val)

Gene: GAA (alpha glucosidase; plus strand). Cytogenetic location: 17q25.3.
Variant type: single nucleotide variant.
Coding change: c.488A>T on transcript NM_000152.5 (MANE Select); coding-DNA position 488, A replaced by T.
Protein change: p.Asp163Val; replaces aspartic acid 163 with valine.
Molecular consequence: missense variant.
Genome position (GRCh38, 1-based): chr17:80,105,074, A>T. VCF-style: chr17-80105074-A-T. GRCh37 (hg19) VCF-style: chr17-78078873-A-T.
Other names: p.Asp163Val; c.488A>T, p.Asp163Val (NM_001079803.3, NM_001079804.3); short protein forms D163V.
Identifiers: ClinVar variation 972389 (VCV000972389.18), dbSNP rs755903462, ClinGen allele CA8814880.

ClinVar aggregate classification (germline): Uncertain significance. Review status: criteria provided, multiple submitters, no conflicts (2 of 4 stars). 5 submissions from 5 submitters: Uncertain significance (4). 1 of the submissions does not count toward it. Last evaluated 2026-01-28.

Conditions:
Glycogen storage disease, type II (IOPD). Also called: Glucosidase acid-1,4-alpha deficiency; GSD II; Glycogen storage disease type 2; Acid maltase deficiency disease; Aglucosidase alfa; Deficiency of alpha-glucosidase. Identifiers: Orphanet 365, MedGen C0017921, MONDO:0009290, OMIM 232300.

Allele frequency attached by ClinVar (database versions not stated): gnomAD exomes below 0.00001; TOPMed below 0.00001; ExAC 0.00001; gnomAD 0.00001.
gnomAD v4.1: 5 of 1,612,544 alleles (0.00031%); highest among the groups gnomAD compares: Non-Finnish European, 0.00034%; no homozygotes.

Submissions (5):

Labcorp Genetics (formerly Invitae), Labcorp
Classification: Uncertain significance for Glycogen storage disease, type II. Last evaluated: 2026-01-28. Review status: criteria provided, single submitter. Criteria: Invitae Variant Classification Sherloc (09022015). Collection method: clinical testing. Allele origin: germline.
Comment: This sequence change replaces aspartic acid, which is acidic and polar, with valine, which is neutral and non-polar, at codon 163 of the GAA protein (p.Asp163Val). This variant is present in population databases (rs755903462, gnomAD 0.002%). This variant has not been reported in the literature in individuals affected with GAA-related conditions. ClinVar contains an entry for this variant (Variation ID: 972389). Invitae Evidence Modeling of protein sequence and biophysical properties (such as structural, functional, and spatial information, amino acid conservation, physicochemical variation, residue mobility, and thermodynamic stability) indicates that this missense variant is expected to disrupt GAA protein function with a positive predictive value of 95%. In summary, the available evidence is currently insufficient to determine the role of this variant in disease. Therefore, it has been classified as a Variant of Uncertain Significance.

Revvity Omics, Revvity
Classification: Uncertain significance. Last evaluated: 2024-10-30. Review status: criteria provided, single submitter. Criteria: ACMG Guidelines, 2015. Collection method: clinical testing. Allele origin: germline.

GeneDx
Classification: Uncertain significance. Last evaluated: 2024-05-20. Review status: criteria provided, single submitter. Criteria: GeneDx Variant Classification Process June 2021. Collection method: clinical testing. Allele origin: germline. Affected: yes.
Comment: Not observed at significant frequency in large population cohorts (gnomAD); In silico analysis supports that this missense variant has a deleterious effect on protein structure/function; In silico analysis suggests this variant may impact gene splicing. In the absence of RNA/functional studies, the actual effect of this sequence change is unknown.; Has not been previously published as pathogenic or benign to our knowledge; This variant is associated with the following publications: (PMID: 19343043, 22253258)

Mayo Clinic Laboratories, Mayo Clinic
Classification: Uncertain significance. Last evaluated: 2024-05-14. Review status: criteria provided, single submitter. Criteria: ACMG Guidelines, 2015. Collection method: clinical testing. Allele origin: germline. Observed: 1 variant allele.
Comment: PP3

Natera, Inc.
Classification: Uncertain significance for Glycogen storage disease type II. Last evaluated: 2021-01-21. Review status: no assertion criteria provided. Collection method: clinical testing. Allele origin: germline. Not counted in ClinVar's aggregate classification.